The following is an entry in ClinVar:

NM_016239.4(MYO15A):c.9899del (p.Gln3300fs)

Gene: MYO15A (myosin XVA; plus strand). Cytogenetic location: 17p11.2.
Variant type: Deletion.
Coding change: c.9899del on transcript NM_016239.4 (MANE Select); coding-DNA position 9899, one base deleted (A; older notation c.9899delA).
Protein change: p.Gln3300fs; shifts the reading frame from glutamine 3300.
Molecular consequence: frameshift variant.
Genome position (GRCh38, 1-based): chr17:18,166,472, A deleted. VCF-style (leftmost placement, unchanged base first): chr17-18166471-CA-C. GRCh37 (hg19) VCF-style: chr17-18069785-CA-C.
Other names: short protein forms Q3300fs.
Identifiers: ClinVar variation 2855969 (VCV002855969.3), dbSNP rs2545325224, ClinGen allele CA2739267241.

ClinVar aggregate classification (germline): Pathogenic (1 of 4 stars; one submission).

Submission:

Labcorp Genetics (formerly Invitae), Labcorp
Classification: Pathogenic. Last evaluated: 2023-04-13. Review status: criteria provided, single submitter. Criteria: Invitae Variant Classification Sherloc (09022015). Collection method: clinical testing. Allele origin: germline.
Comment: This sequence change creates a premature translational stop signal (p.Gln3300Argfs*11) in the MYO15A gene. It is expected to result in an absent or disrupted protein product. Loss-of-function variants in MYO15A are known to be pathogenic (PMID: 17546645). This variant is not present in population databases (gnomAD no frequency). This variant has not been reported in the literature in individuals affected with MYO15A-related conditions. For these reasons, this variant has been classified as Pathogenic.

Literature cited by the submitters: PubMed 17546645.